The following is an entry in ClinVar:

NM_207122.2(EXT2):c.587C>T (p.Pro196Leu)

Gene: EXT2 (exostosin glycosyltransferase 2; plus strand). Cytogenetic location: 11p11.2.
Variant type: single nucleotide variant.
Coding change: c.587C>T on transcript NM_207122.2 (MANE Select); coding-DNA position 587, C replaced by T.
Protein change: p.Pro196Leu; replaces proline 196 with leucine.
Molecular consequence: missense variant.
Genome position (GRCh38, 1-based): chr11:44,109,244, C>T. VCF-style: chr11-44109244-C-T. GRCh37 (hg19) VCF-style: chr11-44130794-C-T.
Other names: c.686C>T, p.Pro229Leu (NM_000401.3); c.587C>T, p.Pro196Leu (NM_001178083.3, NM_001389628.1, NM_001389630.1); short protein forms P196L, P229L.
Identifiers: ClinVar variation 2002244 (VCV002002244.4), dbSNP rs2134971770, ClinGen allele CA380180743.

ClinVar aggregate classification (germline): Uncertain significance (1 of 4 stars; one submission).

Conditions:
Exostoses, multiple, type 2 (EXT2). Also called: Hereditary Multiple Osteochondromatosis, Type II; EXOSTOSES, MULTIPLE, TYPE II. Identifiers: Orphanet 321, MedGen C1851413, MONDO:0007586, OMIM 133701.

Submission:

Labcorp Genetics (formerly Invitae), Labcorp
Classification: Uncertain significance for Exostoses, multiple, type 2. Last evaluated: 2022-06-03. Review status: criteria provided, single submitter. Criteria: Invitae Variant Classification Sherloc (09022015). Collection method: clinical testing. Allele origin: germline.
Comment: This variant has not been reported in the literature in individuals affected with EXT2-related conditions. This sequence change replaces proline, which is neutral and non-polar, with leucine, which is neutral and non-polar, at codon 196 of the EXT2 protein (p.Pro196Leu). This variant is not present in population databases (gnomAD no frequency). Algorithms developed to predict the effect of missense changes on protein structure and function are either unavailable or do not agree on the potential impact of this missense change (SIFT: "Deleterious"; PolyPhen-2: "Benign"; Align-GVGD: "Class C0"). In summary, the available evidence is currently insufficient to determine the role of this variant in disease. Therefore, it has been classified as a Variant of Uncertain Significance.